The following is an entry in ClinVar:

ClinVar aggregate classification (germline): Benign/Likely benign. Review status: criteria provided, multiple submitters, no conflicts (2 of 4 stars). 4 submissions from 4 submitters: Benign (1); Likely benign (3). Last evaluated 2026-08-19.

Conditions:
Hereditary cancer-predisposing syndrome. Also called: Tumor predisposition; Neoplastic Syndromes, Hereditary; Hereditary Cancer Syndrome; Hereditary neoplastic syndrome. Identifiers: Orphanet 140162, MedGen C0027672, MeSH D009386, MONDO:0015356.
DICER1-related tumor predisposition. Also called: DICER1 syndrome; DICER1-related pleuropulmonary blastoma cancer predisposition syndrome. Identifiers: Orphanet 284343, MedGen C3839822, MONDO:0100216.

Allele frequency attached by ClinVar (database versions not stated): gnomAD exomes 0.00001; TOPMed below 0.00001; gnomAD 0.00001; ExAC 0.00002.
gnomAD v4.1: 4 of 1,614,040 alleles (0.00025%); highest among the groups gnomAD compares: Admixed American, 0.0017%; no homozygotes.

Submissions (4):

Myriad Genetics, Inc.
Classification: Benign for DICER1-related tumor predisposition. Last evaluated: 2026-08-19. Review status: criteria provided, single submitter. Criteria: Myriad Autosomal Dominant, Autosomal Recessive and X-Linked Classification Criteria (2023). Collection method: clinical testing. Allele origin: unknown.
Comment: This variant is considered benign. This variant is a silent/synonymous amino acid change and it is not expected to impact splicing.

Labcorp Genetics (formerly Invitae), Labcorp
Classification: Likely benign for DICER1-related tumor predisposition. Last evaluated: 2024-03-14. Review status: criteria provided, single submitter. Criteria: Invitae Variant Classification Sherloc (09022015). Collection method: clinical testing. Allele origin: germline.

Blueprint Genetics
Classification: Likely benign. Last evaluated: 2022-06-10. Review status: criteria provided, single submitter. Criteria: ACMG Guidelines, 2015. Collection method: clinical testing. Allele origin: germline.

Ambry Genetics
Classification: Likely benign for Hereditary cancer-predisposing syndrome. Last evaluated: 2020-10-13. Review status: criteria provided, single submitter. Criteria: Ambry Variant Classification Scheme 2023. Collection method: clinical testing. Allele origin: germline.

NM_177438.3(DICER1):c.3696C>T (p.Ser1232=)

Gene: DICER1 (dicer 1, ribonuclease III; minus strand). Cytogenetic location: 14q32.13.
Variant type: single nucleotide variant.
Coding change: c.3696C>T on transcript NM_177438.3 (MANE Select); coding-DNA position 3696, C replaced by T.
Protein change: p.Ser1232=; no amino-acid change (serine 1232 retained).
Molecular consequence: synonymous variant.
Genome position (GRCh38, 1-based): chr14:95,103,700, G>A on the plus strand (C>T on the coding strand, the complement: DICER1 is on the minus strand). VCF-style: chr14-95103700-G-A. GRCh37 (hg19) VCF-style: chr14-95570037-G-A.
Other names: c.3696C>T, p.Ser1232= (NM_001195573.1, NM_001271282.3, NM_001291628.2 and 1 more transcripts).
Identifiers: ClinVar variation 477158 (VCV000477158.14), dbSNP rs767516330, ClinGen allele CA7331002.